The following is an entry in ClinVar:

ClinVar aggregate classification (germline): Uncertain significance. Review status: criteria provided, multiple submitters, no conflicts (2 of 4 stars). 2 submissions from 2 submitters: Uncertain significance (2). Last evaluated 2024-03-01.

Conditions:
Inborn genetic diseases. Identifiers: MedGen C0950123, MeSH D030342.

Allele frequency attached by ClinVar (database versions not stated): TOPMed below 0.00001; gnomAD exomes 0.00001.
gnomAD v4.1: 10 of 1,536,702 alleles (0.00065%); highest among the groups gnomAD compares: African/African-American, 0.0014%; no homozygotes.

Submissions (2):

Ambry Genetics
Classification: Uncertain significance for Inborn genetic diseases. Last evaluated: 2024-03-01. Review status: criteria provided, single submitter. Criteria: Ambry Variant Classification Scheme 2023. Collection method: clinical testing. Allele origin: germline.

Labcorp Genetics (formerly Invitae), Labcorp
Classification: Uncertain significance. Last evaluated: 2022-05-24. Review status: criteria provided, single submitter. Criteria: Invitae Variant Classification Sherloc (09022015). Collection method: clinical testing. Allele origin: germline.
Comment: This sequence change replaces glutamic acid, which is acidic and polar, with lysine, which is basic and polar, at codon 2969 of the UNC80 protein (p.Glu2969Lys). This variant is present in population databases (no rsID available, gnomAD 0.01%). This variant has not been reported in the literature in individuals affected with UNC80-related conditions. Algorithms developed to predict the effect of missense changes on protein structure and function are either unavailable or do not agree on the potential impact of this missense change (SIFT: "Not Available"; PolyPhen-2: "Probably Damaging"; Align-GVGD: "Not Available"). In summary, the available evidence is currently insufficient to determine the role of this variant in disease. Therefore, it has been classified as a Variant of Uncertain Significance.

NM_001371986.1(UNC80):c.9103G>A (p.Glu3035Lys)

Gene: UNC80 (unc-80 homolog, NALCN channel complex subunit; plus strand). Cytogenetic location: 2q34.
Variant type: single nucleotide variant.
Coding change: c.9103G>A on transcript NM_001371986.1 (MANE Select); coding-DNA position 9103, G replaced by A.
Protein change: p.Glu3035Lys; replaces glutamic acid 3035 with lysine.
Molecular consequence: missense variant.
Genome position (GRCh38, 1-based): chr2:209,978,693, G>A. VCF-style: chr2-209978693-G-A. GRCh37 (hg19) VCF-style: chr2-210843417-G-A.
Other names: c.8905G>A, p.Glu2969Lys (NM_032504.2); c.8890G>A, p.Glu2964Lys (NM_182587.4); c.8905G>A (NM_032504.1); short protein forms E2964K, E2969K, E3035K.
Identifiers: ClinVar variation 1989546 (VCV001989546.2), dbSNP rs910640396, ClinGen allele CA64659367.